The following is an entry in ClinVar:

NM_000789.4(ACE):c.2045C>T (p.Thr682Ile)

Gene: ACE (angiotensin I converting enzyme; plus strand). Cytogenetic location: 17q23.3.
Variant type: single nucleotide variant.
Coding change: c.2045C>T on transcript NM_000789.4 (MANE Select); coding-DNA position 2045, C replaced by T.
Protein change: p.Thr682Ile; replaces threonine 682 with isoleucine.
Molecular consequence: missense variant. On other transcripts: 5 prime UTR variant (1), non-coding transcript variant (1).
Genome position (GRCh38, 1-based): chr17:63,485,359, C>T. VCF-style: chr17-63485359-C-T. GRCh37 (hg19) VCF-style: chr17-61562720-C-T.
Other names: c.323C>T, p.Thr108Ile (NM_001178057.2, NM_152830.3); c.1478C>T, p.Thr493Ile (NM_001382700.1); c.1193C>T, p.Thr398Ile (NM_001382701.1); c.-26C>T (NM_001382702.1); short protein forms T398I, T493I, T682I, T108I.
Identifiers: ClinVar variation 2012223 (VCV002012223.4), dbSNP rs753705010, ClinGen allele CA400554998.

ClinVar aggregate classification (germline): Uncertain significance (1 of 4 stars; one submission).

Submission:

Labcorp Genetics (formerly Invitae), Labcorp
Classification: Uncertain significance. Last evaluated: 2022-08-23. Review status: criteria provided, single submitter. Criteria: Invitae Variant Classification Sherloc (09022015). Collection method: clinical testing. Allele origin: germline.
Comment: In summary, the available evidence is currently insufficient to determine the role of this variant in disease. Therefore, it has been classified as a Variant of Uncertain Significance. This sequence change replaces threonine, which is neutral and polar, with isoleucine, which is neutral and non-polar, at codon 682 of the ACE protein (p.Thr682Ile). This variant is not present in population databases (gnomAD no frequency). This variant has not been reported in the literature in individuals affected with ACE-related conditions. Algorithms developed to predict the effect of missense changes on protein structure and function (SIFT, PolyPhen-2, Align-GVGD) all suggest that this variant is likely to be tolerated.